The following is an entry in ClinVar:

NM_001430.5(EPAS1):c.2227C>G (p.Leu743Val)

Gene: EPAS1 (endothelial PAS domain protein 1; plus strand). Cytogenetic location: 2p21.
Variant type: single nucleotide variant.
Coding change: c.2227C>G on transcript NM_001430.5 (MANE Select); coding-DNA position 2227, C replaced by G.
Protein change: p.Leu743Val; replaces leucine 743 with valine.
Molecular consequence: missense variant.
Genome position (GRCh38, 1-based): chr2:46,382,029, C>G. VCF-style: chr2-46382029-C-G. GRCh37 (hg19) VCF-style: chr2-46609168-C-G.
Other names: short protein forms L743V.
Identifiers: ClinVar variation 2560754 (VCV002560754.2), dbSNP rs1684907905, ClinGen allele CA346705814.

ClinVar aggregate classification (germline): Uncertain significance (1 of 4 stars; one submission).

Conditions:
Inborn genetic diseases. Identifiers: MedGen C0950123, MeSH D030342.

Allele frequency attached by ClinVar (database versions not stated): gnomAD 0.00001.
gnomAD v4.1: 1 of 1,613,972 alleles (0.000062%); highest among the groups gnomAD compares: African/African-American, 0.0013%; no homozygotes.

Submission:

Ambry Genetics
Classification: Uncertain significance for Inborn genetic diseases. Last evaluated: 2023-05-08. Review status: criteria provided, single submitter. Criteria: Ambry Variant Classification Scheme 2023. Collection method: clinical testing. Allele origin: germline.
Comment: The p.L743V variant (also known as c.2227C>G), located in coding exon 14 of the EPAS1 gene, results from a C to G substitution at nucleotide position 2227. The leucine at codon 743 is replaced by valine, an amino acid with highly similar properties. This amino acid position is conserved. In addition, this alteration is predicted to be tolerated by in silico analysis. Since supporting evidence is limited at this time, the clinical significance of this alteration remains unclear.